The following is an entry in ClinVar:

NM_006015.6(ARID1A):c.2287A>G (p.Ser763Gly)

Gene: ARID1A (AT-rich interaction domain 1A; plus strand). Cytogenetic location: 1p36.11.
Variant type: single nucleotide variant.
Coding change: c.2287A>G on transcript NM_006015.6 (MANE Select); coding-DNA position 2287, A replaced by G.
Protein change: p.Ser763Gly; replaces serine 763 with glycine.
Molecular consequence: missense variant.
Genome position (GRCh38, 1-based): chr1:26,762,187, A>G. VCF-style: chr1-26762187-A-G. GRCh37 (hg19) VCF-style: chr1-27088678-A-G.
Other names: c.2287A>G, p.Ser763Gly (NM_139135.4); short protein forms S763G.
Identifiers: ClinVar variation 3342188 (VCV003342188.17).
Genomic context (GRCh38, chr1:26,762,187, plus strand): 5'-CTATATGGATGCTACCCACAAATAGGTTATATGCAGAGGAACCCCCAGATGCCCCAGTAC[A>G]GTTCCCCCCAGCCCGGCTCAGCCTTATCTCCGCGTCAGCCTTCCGGAGGACAGATACACA-3'
Protein context (NP_006006.3, residues 753-773): MQRNPQMPQY[Ser763Gly]SPQPGSALSP

ClinVar aggregate classification (germline): Uncertain significance. Review status: criteria provided, multiple submitters, no conflicts (2 of 4 stars). 2 submissions from 2 submitters: Uncertain significance (2). Last evaluated 2024-08-28.

Submissions (2):

GeneDx
Classification: Uncertain significance. Last evaluated: 2024-08-28. Review status: criteria provided, single submitter. Criteria: GeneDx Variant Classification Process June 2021. Collection method: clinical testing. Allele origin: germline. Affected: yes.
Comment: Not observed at significant frequency in large population cohorts (gnomAD); In silico analysis indicates that this missense variant does not alter protein structure/function; Has not been previously published as pathogenic or benign to our knowledge

CeGaT Center for Human Genetics Tuebingen
Classification: Uncertain significance. Last evaluated: 2024-08-01. Review status: criteria provided, single submitter. Criteria: CeGaT Center For Human Genetics Tuebingen Variant Classification Criteria Version 2. Collection method: clinical testing. Allele origin: germline. Affected: yes. Observed: 1 variant allele.
Comment: ARID1A: PM2, BP4